The following is an entry in ClinVar:

ClinVar aggregate classification (germline): Pathogenic (1 of 4 stars; one submission).

Conditions:
Loeys-Dietz syndrome 4 (LDS4). Also called: TGFB2-Related Loeys-Dietz Syndrome; ANEURYSM, AORTIC AND CEREBRAL, WITH ARTERIAL TORTUOSITY AND SKELETAL MANIFESTATIONS. Identifiers: MedGen C3553762, MONDO:0013897, OMIM 614816.

Submission:

Labcorp Genetics (formerly Invitae), Labcorp
Classification: Pathogenic for Loeys-Dietz syndrome 4. Last evaluated: 2021-07-31. Review status: criteria provided, single submitter. Criteria: Invitae Variant Classification Sherloc (09022015). Collection method: clinical testing. Allele origin: germline.
Comment: For these reasons, this variant has been classified as Pathogenic. This variant has not been reported in the literature in individuals affected with TGFB2-related conditions. This variant is not present in population databases (ExAC no frequency). This sequence change creates a premature translational stop signal (p.Phe111Profs*36) in the TGFB2 gene. It is expected to result in an absent or disrupted protein product. Loss-of-function variants in TGFB2 are known to be pathogenic (PMID: 22772368, 22772371, 30739908).

Literature cited by the submitters: PubMed 22772368; PubMed 22772371; PubMed 30739908.

NM_003238.6(TGFB2):c.329_330dup (p.Phe111fs)

Gene: TGFB2 (transforming growth factor beta 2; plus strand). Cytogenetic location: 1q41.
Variant type: Duplication.
Coding change: c.329_330dup on transcript NM_003238.6 (MANE Select); coding-DNA positions 329 to 330, 2 bases duplicated (CC; older notation c.329_330dupCC).
Protein change: p.Phe111fs; shifts the reading frame from phenylalanine 111.
Molecular consequence: frameshift variant. On other transcripts: non-coding transcript variant (2).
Genome position (GRCh38, 1-based): chr1:218,347,030-218,347,031, CC duplicated; duplicating any 2 consecutive bases within chr1:218,347,029-218,347,031 gives the same sequence; the c. name uses the placement nearest the transcript's 3' end. VCF-style (leftmost placement, unchanged base first): chr1-218347028-G-GCC. GRCh37 (hg19) VCF-style: chr1-218520370-G-GCC.
Other names: c.329_330dup, p.Phe111fs (NM_001135599.4); short protein forms F111fs.
Identifiers: ClinVar variation 1393330 (VCV001393330.6), dbSNP rs2102527910, ClinGen allele CA2573132776.
Genomic context (GRCh38, chr1:218,347,028, plus strand): 5'-CGAGCGCGAGAGGAGCGACGAAGAGTACTACGCCAAGGAGGTTTACAAAATAGACATGCC[G>GCC]CCCTTCTTCCCCTCCGAAAGTAAGTACTTATTTTGACTTCCATCCCCTGAGGTTTAGCTC-3'